The following is an entry in ClinVar:

ClinVar aggregate classification (germline): Likely benign. Review status: criteria provided, multiple submitters, no conflicts (2 of 4 stars). 3 submissions from 3 submitters: Likely benign (3). Last evaluated 2025-04-13.

Allele frequency attached by ClinVar (database versions not stated): ExAC below 0.00001; gnomAD 0.00004; gnomAD exomes 0.00004; TOPMed 0.00005.
gnomAD v4.1: 45 of 1,030,444 alleles (0.0044%); highest among the groups gnomAD compares: Non-Finnish European, 0.0046%; no homozygotes.

Submissions (3):

Labcorp Genetics (formerly Invitae), Labcorp
Classification: Likely benign. Last evaluated: 2025-04-13. Review status: criteria provided, single submitter. Criteria: Invitae Variant Classification Sherloc (09022015). Collection method: clinical testing. Allele origin: germline.

Blueprint Genetics
Classification: Likely benign. Last evaluated: 2021-10-09. Review status: criteria provided, single submitter. Criteria: ACMG Guidelines, 2015. Collection method: clinical testing. Allele origin: germline.

GeneDx
Classification: Likely benign. Last evaluated: 2018-04-11. Review status: criteria provided, single submitter. Criteria: GeneDx Variant Classification (06012015). Collection method: clinical testing. Allele origin: germline. Affected: yes.
Comment: This variant is considered likely benign or benign based on one or more of the following criteria: it is a conservative change, it occurs at a poorly conserved position in the protein, it is predicted to be benign by multiple in silico algorithms, and/or has population frequency not consistent with disease.

NM_005654.6(NR2F1):c.48C>T (p.Ala16=)

Genes: NR2F1 (nuclear receptor subfamily 2 group F member 1; plus strand), NR2F1-AS1 (NR2F1 regulatory antisense RNA 1; minus strand). Cytogenetic location: 5q15.
Variant type: single nucleotide variant.
Coding change: c.48C>T on transcript NM_005654.6 (MANE Select); coding-DNA position 48, C replaced by T.
Protein change: p.Ala16=; no amino-acid change (alanine 16 retained).
Molecular consequence: synonymous variant.
Genome position (GRCh38, 1-based): chr5:93,585,071, C>T. VCF-style: chr5-93585071-C-T. GRCh37 (hg19) VCF-style: chr5-92920777-C-T.
Identifiers: ClinVar variation 681420 (VCV000681420.10), dbSNP rs780151168, ClinGen allele CA3343103.